The following is an entry in ClinVar:

NM_001918.5(DBT):c.434-1G>C

Gene: DBT (dihydrolipoamide branched chain transacylase E2; minus strand). Cytogenetic location: 1p21.2.
Variant type: single nucleotide variant.
Coding change: c.434-1G>C on transcript NM_001918.5 (MANE Select); the canonical splice acceptor site of the intron before coding-DNA position 434, G replaced by C.
Molecular consequence: splice acceptor variant.
Genome position (GRCh38, 1-based): chr1:100,218,748, C>G on the plus strand (G>C on the coding strand, the complement: DBT is on the minus strand). VCF-style: chr1-100218748-C-G. GRCh37 (hg19) VCF-style: chr1-100684304-C-G.
Other names: c.-110-1G>C (NM_001399972.1, NM_001399969.1).
Identifiers: ClinVar variation 2573480 (VCV002573480.1), dbSNP rs754004231, ClinGen allele CA341340729.

ClinVar aggregate classification (germline): Likely pathogenic (1 of 4 stars; one submission).

Conditions:
Maple syrup urine disease (MSUD). Identifiers: Orphanet 511, MedGen C0024776, MeSH D008375, MONDO:0009563. Disease mechanism: loss of function.

Submission:

Women's Health and Genetics/Laboratory Corporation of America, LabCorp
Classification: Likely pathogenic for Maple syrup urine disease. Last evaluated: 2023-06-20. Review status: criteria provided, single submitter. Criteria: LabCorp Variant Classification Summary - May 2015. Collection method: clinical testing. Allele origin: germline.
Comment: Variant summary: DBT c.434-1G>C is located in a canonical splice-site and is predicted to affect mRNA splicing resulting in a significantly altered protein due to either exon skipping, shortening, or inclusion of intronic material. Several computational tools predict a significant impact on normal splicing: Four predict the variant abolishes a 3' acceptor site. Three predict the variant creates a 3' acceptor site. However, these predictions have yet to be confirmed by functional studies. The variant was absent in 251374 control chromosomes. To our knowledge, no occurrence of c.434-1G>C in individuals affected with Maple Syrup Urine Disease and no experimental evidence demonstrating its impact on protein function have been reported. No submitters have cited clinical-significance assessments for this variant to ClinVar after 2014. Based on the evidence outlined above, the variant was classified as likely pathogenic.